The following is an entry in ClinVar:

NM_138387.4(G6PC3):c.1002G>T (p.Met334Ile)

Gene: G6PC3 (glucose-6-phosphatase catalytic subunit 3; plus strand). Cytogenetic location: 17q21.31.
Variant type: single nucleotide variant.
Coding change: c.1002G>T on transcript NM_138387.4 (MANE Select); coding-DNA position 1002, G replaced by T.
Protein change: p.Met334Ile; replaces methionine 334 with isoleucine.
Molecular consequence: missense variant. On other transcripts: 3 prime UTR variant (1).
Genome position (GRCh38, 1-based): chr17:44,076,004, G>T. VCF-style: chr17-44076004-G-T. GRCh37 (hg19) VCF-style: chr17-42153372-G-T.
Other names: c.*295G>T (NM_001319945.2); c.657G>T, p.Met219Ile (NM_001384165.1, NM_001384166.1, NM_001384167.1 and 1 more transcripts); short protein forms M219I, M334I.
Identifiers: ClinVar variation 2070011 (VCV002070011.2), dbSNP rs770745949, ClinGen allele CA8596193.

ClinVar aggregate classification (germline): Uncertain significance. Review status: criteria provided, multiple submitters, no conflicts (2 of 4 stars). 2 submissions from 2 submitters: Uncertain significance (2). Last evaluated 2025-01-05.

Conditions:
Autosomal recessive severe congenital neutropenia due to G6PC3 deficiency. Also called: G6PC3 Deficiency; NEUTROPENIA, SEVERE CONGENITAL, 4, AUTOSOMAL RECESSIVE. Identifiers: Orphanet 331176, MedGen C2751630, MONDO:0012930, OMIM 612541.
Inborn genetic diseases. Identifiers: MedGen C0950123, MeSH D030342.

Allele frequency attached by ClinVar (database versions not stated): gnomAD 0.00001; gnomAD exomes 0.00001; ExAC 0.00002.
gnomAD v4.1: 9 of 1,613,040 alleles (0.00056%); highest among the groups gnomAD compares: South Asian, 0.0022%; no homozygotes.

Submissions (2):

Ambry Genetics
Classification: Uncertain significance for Inborn genetic diseases. Last evaluated: 2025-01-05. Review status: criteria provided, single submitter. Criteria: Ambry Variant Classification Scheme 2023. Collection method: clinical testing. Allele origin: germline.
Comment: The p.M334I variant (also known as c.1002G>T), located in coding exon 6 of the G6PC3 gene, results from a G to T substitution at nucleotide position 1002. The methionine at codon 334 is replaced by isoleucine, an amino acid with highly similar properties. This amino acid position is conserved. In addition, this alteration is predicted to be tolerated by in silico analysis. Based on the available evidence, the clinical significance of this variant remains unclear.

Labcorp Genetics (formerly Invitae), Labcorp
Classification: Uncertain significance for Autosomal recessive severe congenital neutropenia due to G6PC3 deficiency. Last evaluated: 2022-01-02. Review status: criteria provided, single submitter. Criteria: Invitae Variant Classification Sherloc (09022015). Collection method: clinical testing. Allele origin: germline.
Comment: This sequence change replaces methionine, which is neutral and non-polar, with isoleucine, which is neutral and non-polar, at codon 334 of the G6PC3 protein (p.Met334Ile). This variant is present in population databases (rs770745949, gnomAD 0.003%). This variant has not been reported in the literature in individuals affected with G6PC3-related conditions. Algorithms developed to predict the effect of missense changes on protein structure and function (SIFT, PolyPhen-2, Align-GVGD) all suggest that this variant is likely to be tolerated. In summary, the available evidence is currently insufficient to determine the role of this variant in disease. Therefore, it has been classified as a Variant of Uncertain Significance.